The following is an entry in ClinVar:

ClinVar aggregate classification (germline): Uncertain significance. Review status: criteria provided, multiple submitters, no conflicts (2 of 4 stars). 2 submissions from 2 submitters: Uncertain significance (2). Last evaluated 2025-10-26.

Conditions:
Charcot-Marie-Tooth disease type 2. Also called: Charcot-Marie-Tooth type 2. Identifiers: Orphanet 64746, MedGen C0270914, MONDO:0018993.

Submissions (2):

Labcorp Genetics (formerly Invitae), Labcorp
Classification: Uncertain significance for Charcot-Marie-Tooth disease type 2. Last evaluated: 2025-10-26. Review status: criteria provided, single submitter. Criteria: Invitae Variant Classification Sherloc (09022015). Collection method: clinical testing. Allele origin: germline.
Comment: This sequence change replaces aspartic acid, which is acidic and polar, with alanine, which is neutral and non-polar, at codon 93 of the LMNA protein (p.Asp93Ala). This variant is not present in population databases (gnomAD no frequency). This variant has not been reported in the literature in individuals affected with LMNA-related conditions. Invitae Evidence Modeling of protein sequence and biophysical properties (such as structural, functional, and spatial information, amino acid conservation, physicochemical variation, residue mobility, and thermodynamic stability) indicates that this missense variant is expected to disrupt LMNA protein function with a positive predictive value of 95%. In summary, the available evidence is currently insufficient to determine the role of this variant in disease. Therefore, it has been classified as a Variant of Uncertain Significance.

Blueprint Genetics
Classification: Uncertain significance. Last evaluated: 2023-06-08. Review status: criteria provided, single submitter. Criteria: ACMG Guidelines, 2015. Collection method: clinical testing. Allele origin: germline.

NM_170707.4(LMNA):c.278A>C (p.Asp93Ala)

Gene: LMNA (lamin A/C; plus strand). Cytogenetic location: 1q22.
Variant type: single nucleotide variant.
Coding change: c.278A>C on transcript NM_170707.4 (MANE Select); coding-DNA position 278, A replaced by C.
Protein change: p.Asp93Ala; replaces aspartic acid 93 with alanine.
Molecular consequence: missense variant. On other transcripts: 5 prime UTR variant (8), intron variant (2).
Genome position (GRCh38, 1-based): chr1:156,115,196, A>C. VCF-style: chr1-156115196-A-C. GRCh37 (hg19) VCF-style: chr1-156084987-A-C.
Other names: c.278A>C, p.Asp93Ala (NM_001282625.2, NM_001282626.2, NM_001406983.1 and 6 more transcripts); c.-146A>C (NM_001406986.1); c.-124A>C (NM_001406990.1, NM_001406995.1, NM_001407002.1); c.-387A>C (NM_001406994.1, NM_001407000.1); c.-567A>C (NM_001406999.1); c.-230A>C (NM_001407001.1); c.-203+8373A>C (NM_001406993.1, NM_001407003.1); short protein forms D93A.
Identifiers: ClinVar variation 4799955 (VCV004799955.2).